The following is an entry in ClinVar:

ClinVar aggregate classification (germline): Conflicting classifications of pathogenicity. Review status: criteria provided, conflicting classifications (1 of 4 stars). 6 submissions from 6 submitters: Uncertain significance (2); Benign (1); Likely benign (3). Last evaluated 2026-01-27.

Conditions:
Bethlem myopathy 1A. Also called: MYOPATHY, BENIGN CONGENITAL, WITH CONTRACTURES; Bethlem myopathy 1; Bethlem Muscular Dystrophy. Identifiers: Orphanet 610, MedGen CN029274, MONDO:0024530, OMIM 158810.
Collagen 6-related myopathy. Identifiers: MedGen CN117976, MONDO:0100225.

Allele frequency attached by ClinVar (database versions not stated): 1000 Genomes Project 30x 0.00016; 1000 Genomes Project 0.00020; gnomAD exomes 0.00021; gnomAD 0.00025 and 0.00027; TOPMed 0.00034; ExAC 0.00037; ESP Exome Variant Server 0.00038.
gnomAD v4.1: 230 of 1,607,732 alleles (0.014%); highest among the groups gnomAD compares: South Asian, 0.09%; 1 homozygote.

Submissions (6):

Labcorp Genetics (formerly Invitae), Labcorp
Classification: Likely benign for Bethlem myopathy 1A. Last evaluated: 2026-01-27. Review status: criteria provided, single submitter. Criteria: Invitae Variant Classification Sherloc (09022015). Collection method: clinical testing. Allele origin: germline.

Blueprint Genetics
Classification: Likely benign. Last evaluated: 2024-05-27. Review status: criteria provided, single submitter. Criteria: ACMG Guidelines, 2015. Collection method: clinical testing. Allele origin: germline.

Revvity Omics, Revvity
Classification: Uncertain significance. Last evaluated: 2023-02-28. Review status: criteria provided, single submitter. Criteria: ACMG Guidelines, 2015. Collection method: clinical testing. Allele origin: germline.

Illumina Laboratory Services, Illumina
Classification: Benign for Collagen VI-related myopathy. Last evaluated: 2018-01-12. Review status: criteria provided, single submitter. Criteria: ICSL Variant Classification Criteria 13 December 2019. Collection method: clinical testing. Allele origin: germline.
Comment: This variant was observed in the ICSL laboratory as part of a predisposition screen in an ostensibly healthy population. It had not been previously curated by ICSL or reported in the Human Gene Mutation Database (HGMD: prior to June 1st, 2018), and was therefore a candidate for classification through an automated scoring system. Utilizing variant allele frequency, disease prevalence and penetrance estimates, and inheritance mode, an automated score was calculated to assess if this variant is too frequent to cause the disease. Based on the score and internal cut-off values, a variant classified as benign is not then subjected to further curation. The score for this variant resulted in a classification of benign for this disease.

GeneDx
Classification: Likely benign. Last evaluated: 2017-11-27. Review status: criteria provided, single submitter. Criteria: GeneDx Variant Classification (06012015). Collection method: clinical testing. Allele origin: germline. Affected: yes.
Comment: This variant is considered likely benign or benign based on one or more of the following criteria: it is a conservative change, it occurs at a poorly conserved position in the protein, it is predicted to be benign by multiple in silico algorithms, and/or has population frequency not consistent with disease.

Eurofins Ntd Llc (ga)
Classification: Uncertain significance. Last evaluated: 2017-10-18. Review status: criteria provided, single submitter. Criteria: EGL Classification Definitions 2015. Collection method: clinical testing. Allele origin: germline. Observed: 1 variant allele, 1 heterozygote.

NM_004369.4(COL6A3):c.7029+10C>T

Gene: COL6A3 (collagen type VI alpha 3 chain; minus strand). Cytogenetic location: 2q37.3.
Variant type: single nucleotide variant.
Coding change: c.7029+10C>T on transcript NM_004369.4 (MANE Select); 10 bases into the intron after coding-DNA position 7029, C replaced by T.
Molecular consequence: intron variant.
Genome position (GRCh38, 1-based): chr2:237,347,797, G>A on the plus strand (C>T on the coding strand, the complement: COL6A3 is on the minus strand). VCF-style: chr2-237347797-G-A. GRCh37 (hg19) VCF-style: chr2-238256440-G-A.
Other names: c.5208+10C>T (NM_057166.5); c.6411+10C>T (NM_057167.4).
Identifiers: ClinVar variation 335109 (VCV000335109.22), dbSNP rs376525317, ClinGen allele CA2187968.
Genomic context (GRCh38, chr2:237,347,797, plus strand): 5'-CTCAGCAGTTAATCACATTGAGACATACGTTCTCATTCCTCACCTGCAGCCAAGGCCCAC[G>A]CAAACTTACCCTTCGGCCTCTGATGCCTTTGGGTCCTGTTGTTCCATTTAGCCCAGGTTC-3'